The following is an entry in ClinVar:

ClinVar aggregate classification (germline): Uncertain significance. Review status: criteria provided, multiple submitters, no conflicts (2 of 4 stars). 3 submissions from 3 submitters: Uncertain significance (3). Last evaluated 2025-08-27.

Conditions:
Progressive myoclonic epilepsy. Also called: Myoclonus epilepsy; Familial progressive myoclonic epilepsy; Progressive myoclonus epilepsy; Myoclonic Epilepsies, Progressive. Identifiers: Orphanet 308, Orphanet 98261, MedGen C0751778, MONDO:0020074.
Action myoclonus-renal failure syndrome. Also called: MYOCLONUS-NEPHROPATHY SYNDROME; EPILEPSY, PROGRESSIVE MYOCLONIC, 4, WITH RENAL FAILURE; EPILEPSY, PROGRESSIVE MYOCLONIC, 4, WITHOUT RENAL FAILURE; SCARB2-Related Action Myoclonus-Renal Failure Syndrome. Identifiers: Orphanet 163696, MedGen C0751779, MeSH D020191, MONDO:0009699, OMIM 254900.

Allele frequency attached by ClinVar (database versions not stated): ExAC 0.00001; gnomAD 0.00002; gnomAD exomes 0.00002 and 0.00007; TOPMed 0.00003.
gnomAD v4.1: 107 of 1,613,874 alleles (0.0066%); highest among the groups gnomAD compares: Non-Finnish European, 0.0083%; no homozygotes.

Submissions (3):

GeneDx
Classification: Uncertain significance. Last evaluated: 2025-08-27. Review status: criteria provided, single submitter. Criteria: GeneDx Variant Classification Process June 2021. Collection method: clinical testing. Allele origin: germline. Affected: yes.
Comment: Not observed at significant frequency in large population cohorts (gnomAD); In silico analysis supports that this missense variant has a deleterious effect on protein structure/function; Has not been previously published as pathogenic or benign to our knowledge

Fulgent Genetics
Classification: Uncertain significance for Action myoclonus-renal failure syndrome. Last evaluated: 2022-03-07. Review status: criteria provided, single submitter. Criteria: ACMG Guidelines, 2015. Collection method: clinical testing. Allele origin: unknown.

Labcorp Genetics (formerly Invitae), Labcorp
Classification: Uncertain significance for Progressive myoclonic epilepsy. Last evaluated: 2021-11-24. Review status: criteria provided, single submitter. Criteria: Invitae Variant Classification Sherloc (09022015). Collection method: clinical testing. Allele origin: germline.
Comment: This sequence change replaces asparagine, which is neutral and polar, with serine, which is neutral and polar, at codon 249 of the SCARB2 protein (p.Asn249Ser). This variant is present in population databases (rs199837910, gnomAD 0.005%). This variant has not been reported in the literature in individuals affected with SCARB2-related conditions. ClinVar contains an entry for this variant (Variation ID: 206712). Algorithms developed to predict the effect of missense changes on protein structure and function are either unavailable or do not agree on the potential impact of this missense change (SIFT: "Tolerated"; PolyPhen-2: "Probably Damaging"; Align-GVGD: "Class C0"). In summary, the available evidence is currently insufficient to determine the role of this variant in disease. Therefore, it has been classified as a Variant of Uncertain Significance.

NM_005506.4(SCARB2):c.746A>G (p.Asn249Ser)

Gene: SCARB2 (scavenger receptor class B member 2; minus strand). Cytogenetic location: 4q21.1.
Variant type: single nucleotide variant.
Coding change: c.746A>G on transcript NM_005506.4 (MANE Select); coding-DNA position 746, A replaced by G.
Protein change: p.Asn249Ser; replaces asparagine 249 with serine.
Molecular consequence: missense variant.
Genome position (GRCh38, 1-based): chr4:76,175,869, T>C on the plus strand (A>G on the coding strand, the complement: SCARB2 is on the minus strand). VCF-style: chr4-76175869-T-C. GRCh37 (hg19) VCF-style: chr4-77097022-T-C.
Other names: p.N249S:AAT>AGT; c.317A>G, p.Asn106Ser (NM_001204255.2); short protein forms N249S, N106S.
Identifiers: ClinVar variation 206712 (VCV000206712.11), dbSNP rs199837910, ClinGen allele CA317070.